The following is an entry in ClinVar:

ClinVar aggregate classification (germline): Uncertain significance (1 of 4 stars; one submission).

Submission:

Labcorp Genetics (formerly Invitae), Labcorp
Classification: Uncertain significance. Last evaluated: 2025-02-01. Review status: criteria provided, single submitter. Criteria: Invitae Variant Classification Sherloc (09022015). Collection method: clinical testing. Allele origin: germline.
Comment: This sequence change replaces arginine, which is basic and polar, with lysine, which is basic and polar, at codon 201 of the POLD2 protein (p.Arg201Lys). This variant is not present in population databases (gnomAD no frequency). This variant has not been reported in the literature in individuals affected with POLD2-related conditions. An algorithm developed to predict the effect of missense changes on protein structure and function outputs the following: PolyPhen-2: "Not Available". The lysine amino acid residue is found in multiple mammalian species, which suggests that this missense change does not adversely affect protein function. In summary, the available evidence is currently insufficient to determine the role of this variant in disease. Therefore, it has been classified as a Variant of Uncertain Significance.

NM_006230.4(POLD2):c.497G>A (p.Arg166Lys)

Gene: POLD2 (DNA polymerase delta 2, accessory subunit; minus strand). Cytogenetic location: 7p13.
Variant type: single nucleotide variant.
Coding change: c.497G>A on transcript NM_006230.4 (MANE Select); coding-DNA position 497, G replaced by A.
Protein change: p.Arg166Lys; replaces arginine 166 with lysine.
Molecular consequence: missense variant.
Genome position (GRCh38, 1-based): chr7:44,117,217, C>T on the plus strand (G>A on the coding strand, the complement: POLD2 is on the minus strand). VCF-style: chr7-44117217-C-T. GRCh37 (hg19) VCF-style: chr7-44156816-C-T.
Other names: c.497G>A, p.Arg166Lys (NM_001127218.3, NM_001256879.2); short protein forms R166K.
Identifiers: ClinVar variation 3681098 (VCV003681098.2).